The following is an entry in ClinVar:

ClinVar aggregate classification (germline): Conflicting classifications of pathogenicity. Review status: criteria provided, conflicting classifications (1 of 4 stars). 2 submissions from 2 submitters: Uncertain significance (1); Benign (1). Last evaluated 2018-01-13.

Conditions:
Deficiency of 2-methylbutyryl-CoA dehydrogenase (ACADSB). Also called: 2-methylbutyryl-CoA dehydrogenase deficiency; SBCAD deficiency; 2-methylbutyric aciduria; Short branched-chain acyl-CoA dehydrogenase deficiency; 2-methylbutyrylglycinuria. Identifiers: Orphanet 79157, MedGen C1864912, MONDO:0012392, OMIM 610006, HP:0020147.

Allele frequency attached by ClinVar (database versions not stated): gnomAD 0.00002 and 0.00003.
gnomAD v4.1: 18 of 75,218 alleles (0.024%); highest among the groups gnomAD compares: South Asian, 0.054%; no homozygotes.

Submissions (3):

Illumina Laboratory Services, Illumina
Classification: Benign for Deficiency of 2-methylbutyryl-CoA dehydrogenase. Last evaluated: 2018-01-13. Review status: criteria provided, single submitter. Criteria: ICSL Variant Classification Criteria 13 December 2019. Collection method: clinical testing. Allele origin: germline.
Comment: This variant was observed in the ICSL laboratory as part of a predisposition screen in an ostensibly healthy population. It had not been previously curated by ICSL or reported in the Human Gene Mutation Database (HGMD: prior to June 1st, 2018), and was therefore a candidate for classification through an automated scoring system. Utilizing variant allele frequency, disease prevalence and penetrance estimates, and inheritance mode, an automated score was calculated to assess if this variant is too frequent to cause the disease. Based on the score and internal cut-off values, a variant classified as benign is not then subjected to further curation. The score for this variant resulted in a classification of benign for this disease.

Genomic Research Center, Shahid Beheshti University of Medical Sciences
Classification: Uncertain significance for Deficiency of 2-methylbutyryl-CoA dehydrogenase. Last evaluated: 2017-12-03. Review status: criteria provided, single submitter. Criteria: ACMG Guidelines, 2015. Collection method: clinical testing. Allele origin: inherited. Affected: yes.

Dr. Peter K. Rogan Lab, Western University
No classification provided (evidence only). Condition: Clear cell carcinoma of kidney. Review status: no classification provided. Collection method: in vitro. Allele origin: not applicable. Functional consequence: skipped exon, retained intron. Not counted in ClinVar's aggregate classification.

NM_001609.4(ACADSB):c.1128+3A>T

Gene: ACADSB (acyl-CoA dehydrogenase short/branched chain; plus strand). Cytogenetic location: 10q26.13.
Variant type: single nucleotide variant.
Coding change: c.1128+3A>T on transcript NM_001609.4 (MANE Select); 3 bases into the intron after coding-DNA position 1128, A replaced by T.
Molecular consequence: intron variant.
Genome position (GRCh38, 1-based): chr10:123,051,189, A>T. VCF-style: chr10-123051189-A-T. GRCh37 (hg19) VCF-style: chr10-124810705-A-T.
Other names: NC_000010.10:g.124810705A>T; c.822+3A>T (NM_001330174.3).
Identifiers: ClinVar variation 299084 (VCV000299084.10), dbSNP rs760423996, ClinGen allele CA5730923.